The following is an entry in ClinVar:

ClinVar aggregate classification (germline): Uncertain significance (1 of 4 stars; one submission).

Allele frequency attached by ClinVar (database versions not stated): gnomAD exomes below 0.00001; TOPMed 0.00001.
gnomAD v4.1: 2 of 1,613,590 alleles (0.00012%); highest among the groups gnomAD compares: Admixed American, 0.0033%; no homozygotes.

Submission:

Labcorp Genetics (formerly Invitae), Labcorp
Classification: Uncertain significance. Last evaluated: 2022-08-31. Review status: criteria provided, single submitter. Criteria: Invitae Variant Classification Sherloc (09022015). Collection method: clinical testing. Allele origin: germline.
Comment: This sequence change replaces tyrosine, which is neutral and polar, with histidine, which is basic and polar, at codon 320 of the FERMT1 protein (p.Tyr320His). This variant is not present in population databases (gnomAD no frequency). This variant has not been reported in the literature in individuals affected with FERMT1-related conditions. ClinVar contains an entry for this variant (Variation ID: 1514584). Algorithms developed to predict the effect of missense changes on protein structure and function (SIFT, PolyPhen-2, Align-GVGD) all suggest that this variant is likely to be disruptive. In summary, the available evidence is currently insufficient to determine the role of this variant in disease. Therefore, it has been classified as a Variant of Uncertain Significance.

NM_017671.5(FERMT1):c.958T>C (p.Tyr320His)

Gene: FERMT1 (FERM domain containing kindlin 1; minus strand). Cytogenetic location: 20p12.3.
Variant type: single nucleotide variant.
Coding change: c.958T>C on transcript NM_017671.5 (MANE Select); coding-DNA position 958, T replaced by C.
Protein change: p.Tyr320His; replaces tyrosine 320 with histidine.
Molecular consequence: missense variant.
Genome position (GRCh38, 1-based): chr20:6,097,033, A>G on the plus strand (T>C on the coding strand, the complement: FERMT1 is on the minus strand). VCF-style: chr20-6097033-A-G. GRCh37 (hg19) VCF-style: chr20-6077680-A-G.
Other names: short protein forms Y320H.
Identifiers: ClinVar variation 1514584 (VCV001514584.3), dbSNP rs1473910227, ClinGen allele CA408182903.
Genomic context (GRCh38, chr20:6,097,033, plus strand): 5'-CCTCGGACTCGCCTGCAAAATCCTGTGTTTCAGCAGACAACGACAGTTTGCTAATGTGGT[A>G]CTAAAATGAAAACAGACGTTTTAGAAATGTTATAAACAGAAATGTTATAAATATAAATGA-3'
Protein context (NP_060141.3, residues 310-330): EEMLIFAALQ[Tyr320His]HISKLSLSAE